The following continues an entry in ClinVar:

NM_000059.4(BRCA2):c.1909+1G>A

Gene: BRCA2. ClinVar aggregate classification (germline): Pathogenic/Likely pathogenic. Pathogenic (10); Likely pathogenic (3).

Submissions 8 to 17 of 17:

Sema4
Classification: Pathogenic for Hereditary cancer-predisposing syndrome. Last evaluated: 2021-01-22. Review status: criteria provided, single submitter. Criteria: Sema4 Curation Guidelines. Collection method: curation. Allele origin: germline.
Comment: The BRCA2 c.1909+1G>A variant has been reported in heterozygosity in at least 5 individuals with breast and/or ovarian cancer (PMID: 26296696, 29446198, 26306726). Functional studies have shown that this variant alters the normal splicing in a patient's cells, where exons 9 and 10 are skipped specifically in the allele carrying the variant (PMID: 31343793). Loss of function variants in BRCA1 or BRCA2 are known to be pathogenic (PMID: 29446198). This variant is not reported in the population database Genome Aggregation Database (PMID: 32461654). Based on the current evidence available, this variant is interpreted as pathogenic.

Women's Health and Genetics/Laboratory Corporation of America, LabCorp
Classification: Pathogenic for Hereditary breast and ovarian cancer syndrome. Last evaluated: 2019-10-30. Review status: criteria provided, single submitter. Criteria: LabCorp Variant Classification Summary - May 2015. Collection method: clinical testing. Allele origin: germline.
Comment: Variant summary: BRCA2 c.1909+1G>A is located in a canonical splice-site and is predicted to affect mRNA splicing resulting in a significantly altered protein due to either exon skipping, shortening, or inclusion of intronic material. Several computational tools predict a significant impact on normal splicing: Four predict the variant abolishes a 5' splicing donor site. However, to our knowledge, these predictions have yet to be confirmed by functional studies. The variant was absent in 235928 control chromosomes. c.1909+1G>A has been reported in the literature in multiple individuals affected with Hereditary Breast and Ovarian Cancer (example, Chong_2014 and Rebbeck_2018). These data indicate that the variant is likely to be associated with disease. To our knowledge, no experimental evidence demonstrating an impact on protein function has been reported. Nine clinical diagnostic laboratories have submitted clinical-significance assessments for this variant to ClinVar after 2014 without evidence for independent evaluation. All laboratories classified the variant as pathogenic (n=5)/likely pathogenic (n=4). Based on the evidence outlined above, the variant was classified as pathogenic.

GeneDx
Classification: Likely pathogenic. Last evaluated: 2019-07-12. Review status: criteria provided, single submitter. Criteria: GeneDx Variant Classification Process June 2021. Collection method: clinical testing. Allele origin: germline. Affected: yes.
Comment: Not observed in large population cohorts (Lek 2016); Canonical splice site variant predicted to result in an in-frame deletion of exon 10; Observed in individuals with a personal and/or family history of breast and/or ovarian cancer (Chong 2014, Frey 2015, Minucci 2015, Shirts 2016, Frey 2017, Cardoso 2018, Marchetti 2018); This variant is associated with the following publications: (PMID: 26296696, 26306726, 24830819, 26845104, 28495237, 30128899, 30103829, 29446198, 31343793)

University of Washington Department of Laboratory Medicine, University of Washington
Classification: Pathogenic for Breast-ovarian cancer, familial, susceptibility to, 1. Last evaluated: 2015-11-20. Review status: criteria provided, single submitter. Criteria: Shirts et al. (Genet Med 2016). Collection method: clinical testing. Allele origin: germline. Affected: yes. Observed: 1 variant allele.

Consortium of Investigators of Modifiers of BRCA1/2 (CIMBA), c/o University of Cambridge
Classification: Pathogenic for Breast-ovarian cancer, familial, susceptibility to, 2. Last evaluated: 2015-10-02. Review status: criteria provided, single submitter. Criteria: CIMBA Mutation Classification guidelines May 2016. Collection method: clinical testing. Allele origin: germline.

Juno Genomics, Hangzhou Juno Genomics, Inc
Classification: Likely pathogenic for Breast-ovarian cancer, familial, susceptibility to, 2. Review status: criteria provided, single submitter. Criteria: ACMG Guidelines, 2015. Collection method: clinical testing. Allele origin: germline.
Comment: Null variant in a gene where loss of function (LOF) is a known mechanism of disease.;The prevalence of the variant in affected individuals is significantly increased compared to the prevalence in controls.

Laboratory for Genotyping Development, RIKEN
Classification: Pathogenic for Gastric cancer. Last evaluated: 2021-07-01. Review status: no assertion criteria provided. Collection method: research. Allele origin: germline. Not counted in ClinVar's aggregate classification.

Hereditary Cancer Genetics group, Vall d'Hebron Institute of Oncology
Classification: Pathogenic for Hereditary breast and ovarian cancer syndrome. Last evaluated: 2019-03-01. Review status: no assertion criteria provided. Collection method: research. Allele origin: germline. Affected: yes. Not counted in ClinVar's aggregate classification.

Counsyl
Classification: Pathogenic for Breast-ovarian cancer, familial, susceptibility to, 2. Last evaluated: 2017-06-23. Review status: no assertion criteria provided. Collection method: clinical testing. Allele origin: unknown. Not counted in ClinVar's aggregate classification.

Department of Pathology and Laboratory Medicine, Sinai Health System
Classification: Pathogenic for Breast-ovarian cancer, familial, susceptibility to, 2. Review status: no assertion criteria provided. Collection method: clinical testing. Allele origin: unknown. Affected: yes. Study: The Canadian Open Genetics Repository (COGR). Not counted in ClinVar's aggregate classification.
Comment: The BRCA2 c.1909+1G>A variant was not identified in the literature, but was identified in the UMD (2X as a causal variant). The c.1909+1G>A variant is predicted to cause abnormal splicing because the nucleotide substitution occurs in the invariant region of the splice consensus sequence. In addition, four in silico or computational prediction software programs (SpliceSiteFinder, MaxEntScan, NNSPLICE, HumanSpliceFinder) predict a difference in splicing, with an abolishment of the 5' slice donor site in the mutated sequence. In summary, based on the above information, this variant meets our laboratoryâ€šÃ„Ã´s criteria to be classified as pathogenic.

Literature cited by the submitters: PubMed 24830819 (cited by 4 submitters); PubMed 26296696 (cited by 7 submitters); PubMed 26845104 (cited by 6 submitters); PubMed 29446198 (cited by 5 submitters); PubMed 30103829 (cited by 4 submitters); PubMed 31343793 (cited by 4 submitters); PubMed 26306726 (cited by 3 submitters); PubMed 30472649 (cited by 3 submitters); PubMed 32906206 (cited by Ambry Genetics); PubMed 33471991 (cited by Ambry Genetics and Color Diagnostics, LLC DBA Color Health); PubMed 36367610 (cited by Quest Diagnostics Nichols Institute San Juan Capistrano); PubMed 32073954 (cited by Quest Diagnostics Nichols Institute San Juan Capistrano and Color Diagnostics, LLC DBA Color Health); PubMed 26295337 (cited by Quest Diagnostics Nichols Institute San Juan Capistrano); PubMed 26681678 (cited by Color Diagnostics, LLC DBA Color Health and Counsyl); PubMed 28495237 (cited by Color Diagnostics, LLC DBA Color Health); PubMed 36988593 (cited by Laboratory for Genotyping Development, RIKEN).